The following is an entry in ClinVar:

ClinVar aggregate classification (germline): Conflicting classifications of pathogenicity. Review status: criteria provided, conflicting classifications (1 of 4 stars). 2 submissions from 2 submitters: Uncertain significance (1); Likely benign (1). Last evaluated 2023-08-04.

Submissions (2):

Labcorp Genetics (formerly Invitae), Labcorp
Classification: Likely benign. Last evaluated: 2023-08-04. Review status: criteria provided, single submitter. Criteria: Invitae Variant Classification Sherloc (09022015). Collection method: clinical testing. Allele origin: germline.

GeneDx
Classification: Uncertain significance. Last evaluated: 2023-02-09. Review status: criteria provided, single submitter. Criteria: GeneDx Variant Classification Process June 2021. Collection method: clinical testing. Allele origin: germline. Affected: yes.
Comment: Not observed at significant frequency in large population cohorts (gnomAD); In silico analysis supports that this missense variant has a deleterious effect on protein structure/function; Has not been previously published as pathogenic or benign to our knowledge

NM_001037333.3(CYFIP2):c.2584C>G (p.Arg862Gly)

Gene: CYFIP2 (cytoplasmic FMR1 interacting protein 2; plus strand). Cytogenetic location: 5q33.3.
Variant type: single nucleotide variant.
Coding change: c.2584C>G on transcript NM_001037333.3 (MANE Select); coding-DNA position 2584, C replaced by G.
Protein change: p.Arg862Gly; replaces arginine 862 with glycine.
Molecular consequence: missense variant.
Genome position (GRCh38, 1-based): chr5:157,339,255, C>G. VCF-style: chr5-157339255-C-G. GRCh37 (hg19) VCF-style: chr5-156766263-C-G.
Other names: c.2506C>G, p.Arg836Gly (NM_001291721.2); c.2659C>G, p.Arg887Gly (NM_001291722.2); c.2584C>G, p.Arg862Gly (NM_014376.4); short protein forms R836G, R862G, R887G.
Identifiers: ClinVar variation 2575583 (VCV002575583.4), dbSNP rs2532480977, ClinGen allele CA361972434.